The following is an entry in ClinVar:

ClinVar aggregate classification (germline): Uncertain significance (1 of 4 stars; one submission).

Allele frequency attached by ClinVar (database versions not stated): gnomAD exomes below 0.00001 and 0.00001; ExAC 0.00001; gnomAD 0.00001.

Submission:

Labcorp Genetics (formerly Invitae), Labcorp
Classification: Uncertain significance. Last evaluated: 2023-10-03. Review status: criteria provided, single submitter. Criteria: Invitae Variant Classification Sherloc (09022015). Collection method: clinical testing. Allele origin: germline.
Comment: This sequence change replaces glutamic acid, which is acidic and polar, with glutamine, which is neutral and polar, at codon 544 of the KCNV2 protein (p.Glu544Gln). This variant is present in population databases (rs768225982, gnomAD 0.002%). This variant has not been reported in the literature in individuals affected with KCNV2-related conditions. ClinVar contains an entry for this variant (Variation ID: 1517671). Advanced modeling of protein sequence and biophysical properties (such as structural, functional, and spatial information, amino acid conservation, physicochemical variation, residue mobility, and thermodynamic stability) performed at Invitae indicates that this missense variant is not expected to disrupt KCNV2 protein function. In summary, the available evidence is currently insufficient to determine the role of this variant in disease. Therefore, it has been classified as a Variant of Uncertain Significance.

NM_133497.4(KCNV2):c.1630G>C (p.Glu544Gln)

Gene: KCNV2 (potassium voltage-gated channel modifier subfamily V member 2; plus strand). Cytogenetic location: 9p24.2.
Variant type: single nucleotide variant.
Coding change: c.1630G>C on transcript NM_133497.4 (MANE Select); coding-DNA position 1630, G replaced by C.
Protein change: p.Glu544Gln; replaces glutamic acid 544 with glutamine.
Molecular consequence: missense variant.
Genome position (GRCh38, 1-based): chr9:2,729,719, G>C. VCF-style: chr9-2729719-G-C. GRCh37 (hg19) VCF-style: chr9-2729719-G-C.
Other names: short protein forms E544Q.
Identifiers: ClinVar variation 1517671 (VCV001517671.8), dbSNP rs768225982, ClinGen allele CA4965958.
Genomic context (GRCh38, chr9:2,729,719, plus strand): 5'-GCCAGAAAGAAGATAGCTGAGTGTTTGCTTGGAAGCAACCCACAGCTCACCCCAAGACAA[G>C]AGAATTAGTATTTTATAGGACATGTGGCTGGTAGATTCCATGAACTTCAAGGCTTCATTG-3'
Protein context (NP_598004.1, residues 534-545): GSNPQLTPRQ[Glu544Gln]N